The following is an entry in ClinVar:

NM_052813.5(CARD9):c.757G>C (p.Glu253Gln)

Gene: CARD9 (caspase recruitment domain family member 9; minus strand). Cytogenetic location: 9q34.3.
Variant type: single nucleotide variant.
Coding change: c.757G>C on transcript NM_052813.5 (MANE Select); coding-DNA position 757, G replaced by C.
Protein change: p.Glu253Gln; replaces glutamic acid 253 with glutamine.
Molecular consequence: missense variant.
Genome position (GRCh38, 1-based): chr9:136,370,572, C>G on the plus strand (G>C on the coding strand, the complement: CARD9 is on the minus strand). VCF-style: chr9-136370572-C-G. GRCh37 (hg19) VCF-style: chr9-139265024-C-G.
Other names: c.757G>C, p.Glu253Gln (NM_052814.4); short protein forms E253Q.
Identifiers: ClinVar variation 580174 (VCV000580174.10), dbSNP rs748703154, ClinGen allele CA5332996.

ClinVar aggregate classification (germline): Uncertain significance. Review status: criteria provided, multiple submitters, no conflicts (2 of 4 stars). 2 submissions from 2 submitters: Uncertain significance (2). Last evaluated 2025-12-22.

Conditions:
Predisposition to invasive fungal disease due to CARD9 deficiency (IMD103). Also called: IMMUNODEFICIENCY 103, SUSCEPTIBILITY TO FUNGAL INFECTIONS; Candidiasis, familial, 2, autosomal recessive; CARD9 IMMUNODEFICIENCY. Identifiers: Orphanet 457088, MedGen C1859353, MONDO:0008905, OMIM 212050.

Allele frequency attached by ClinVar (database versions not stated): ExAC 0.00001; gnomAD 0.00002; TOPMed 0.00005.
gnomAD v4.1: 26 of 1,611,004 alleles (0.0016%); highest among the groups gnomAD compares: Middle Eastern, 0.033%; no homozygotes.

Submissions (2):

Labcorp Genetics (formerly Invitae), Labcorp
Classification: Uncertain significance for Predisposition to invasive fungal disease due to CARD9 deficiency. Last evaluated: 2025-12-22. Review status: criteria provided, single submitter. Criteria: Invitae Variant Classification Sherloc (09022015). Collection method: clinical testing. Allele origin: germline.
Comment: This sequence change replaces glutamic acid, which is acidic and polar, with glutamine, which is neutral and polar, at codon 253 of the CARD9 protein (p.Glu253Gln). This variant is present in population databases (rs748703154, gnomAD 0.003%). This variant has not been reported in the literature in individuals affected with CARD9-related conditions. ClinVar contains an entry for this variant (Variation ID: 580174). Invitae Evidence Modeling of protein sequence and biophysical properties (such as structural, functional, and spatial information, amino acid conservation, physicochemical variation, residue mobility, and thermodynamic stability) indicates that this missense variant is not expected to disrupt CARD9 protein function with a negative predictive value of 80%. In summary, the available evidence is currently insufficient to determine the role of this variant in disease. Therefore, it has been classified as a Variant of Uncertain Significance.

Breakthrough Genomics
Classification: Uncertain significance. Review status: criteria provided, single submitter. Criteria: ACMG Guidelines, 2015. Collection method: not provided. Allele origin: germline. Inheritance: Autosomal recessive inheritance. Affected: yes.